The following is an entry in ClinVar:

NM_025137.4(SPG11):c.2850G>A (p.Leu950=)

Gene: SPG11 (SPG11 vesicle trafficking associated, spatacsin; minus strand). Cytogenetic location: 15q21.1.
Variant type: single nucleotide variant.
Coding change: c.2850G>A on transcript NM_025137.4 (MANE Select); coding-DNA position 2850, G replaced by A.
Protein change: p.Leu950=; no amino-acid change (leucine 950 retained).
Molecular consequence: synonymous variant.
Genome position (GRCh38, 1-based): chr15:44,615,551, C>T on the plus strand (G>A on the coding strand, the complement: SPG11 is on the minus strand). VCF-style: chr15-44615551-C-T. GRCh37 (hg19) VCF-style: chr15-44907749-C-T.
Other names: c.2850G>A, p.Leu950= (NM_001160227.2, NM_001411132.1).
Identifiers: ClinVar variation 3389992 (VCV003389992.14).

ClinVar aggregate classification (germline): Likely benign (1 of 4 stars; one submission).

gnomAD v4.1: 2 of 1,613,756 alleles (0.00012%); highest among the groups gnomAD compares: Non-Finnish European, 0.00017%; no homozygotes.

Submission:

CeGaT Center for Human Genetics Tuebingen
Classification: Likely benign. Last evaluated: 2024-10-01. Review status: criteria provided, single submitter. Criteria: CeGaT Center For Human Genetics Tuebingen Variant Classification Criteria Version 2. Collection method: clinical testing. Allele origin: germline. Affected: yes. Observed: 1 variant allele.
Comment: SPG11: BP4, BP7